The following is an entry in ClinVar:

NM_012073.5(CCT5):c.954C>T (p.Asn318=)

Gene: CCT5 (chaperonin containing TCP1 subunit 5; plus strand). Cytogenetic location: 5p15.2.
Variant type: single nucleotide variant.
Coding change: c.954C>T on transcript NM_012073.5 (MANE Select); coding-DNA position 954, C replaced by T.
Protein change: p.Asn318=; no amino-acid change (asparagine 318 retained).
Molecular consequence: synonymous variant.
Genome position (GRCh38, 1-based): chr5:10,260,872, C>T. VCF-style: chr5-10260872-C-T. GRCh37 (hg19) VCF-style: chr5-10260984-C-T.
Other names: c.954C>T (NM_012073.4); c.891C>T, p.Asn297= (NM_001306153.1); c.789C>T, p.Asn263= (NM_001306154.2); c.675C>T, p.Asn225= (NM_001306155.2); c.840C>T, p.Asn280= (NM_001306156.2).
Identifiers: ClinVar variation 465410 (VCV000465410.17), dbSNP rs150870419, ClinGen allele CA3198207.
Genomic context (GRCh38, chr5:10,260,872, plus strand): 5'-CCTAGCAATTTGTCAGTGGGGCTTTGATGATGAAGCAAATCACTTACTTCTTCAGAACAA[C>T]TTGCCTGCGGTTCGCTGGGTAGGAGGACCTGAAATTGAGGTAGGATGTTCCACGTGAAGA-3'
Protein context (NP_036205.1, residues 308-328): DEANHLLLQN[Asn318=]LPAVRWVGGP

ClinVar aggregate classification (germline): Conflicting classifications of pathogenicity. Review status: criteria provided, conflicting classifications (1 of 4 stars). 3 submissions from 3 submitters: Uncertain significance (1); Likely benign (1). 1 of the submissions does not count toward it. Last evaluated 2025-05-05.

Conditions:
Hereditary sensory and autonomic neuropathy with spastic paraplegia (HSNSP). Identifiers: Orphanet 139578, MedGen C1850395, MONDO:0009748, OMIM 256840.
CCT5-related disorder. Also called: CCT5-related condition.

Allele frequency attached by ClinVar (database versions not stated): gnomAD exomes 0.00009 and 0.00017; ExAC 0.00021; 1000 Genomes Project 0.00040; 1000 Genomes Project 30x 0.00047; gnomAD 0.00062 and 0.00068; TOPMed 0.00065; ESP Exome Variant Server 0.00131.
gnomAD v4.1: 222 of 1,614,170 alleles (0.014%); highest among the groups gnomAD compares: African/African-American, 0.27%; no homozygotes.

Submissions (3):

Labcorp Genetics (formerly Invitae), Labcorp
Classification: Likely benign for Hereditary sensory and autonomic neuropathy with spastic paraplegia. Last evaluated: 2025-05-05. Review status: criteria provided, single submitter. Criteria: Invitae Variant Classification Sherloc (09022015). Collection method: clinical testing. Allele origin: germline.

Illumina Laboratory Services, Illumina
Classification: Uncertain significance for Hereditary sensory and autonomic neuropathy with spastic paraplegia. Last evaluated: 2018-01-12. Review status: criteria provided, single submitter. Criteria: ICSL Variant Classification Criteria 13 December 2019. Collection method: clinical testing. Allele origin: germline.

PreventionGenetics, part of Exact Sciences
Classification: Likely benign for CCT5-related condition. Last evaluated: 2019-03-06. Review status: no assertion criteria provided. Collection method: clinical testing. Allele origin: germline. Not counted in ClinVar's aggregate classification.
Comment: This variant is classified as likely benign based on ACMG/AMP sequence variant interpretation guidelines (Richards et al. 2015 PMID: 25741868, with internal and published modifications).